The following is an entry in ClinVar:

NM_018263.6(ASXL2):c.2216G>A (p.Gly739Asp)

Gene: ASXL2 (ASXL transcriptional regulator 2; minus strand). Cytogenetic location: 2p23.3.
Variant type: single nucleotide variant.
Coding change: c.2216G>A on transcript NM_018263.6 (MANE Select); coding-DNA position 2216, G replaced by A.
Protein change: p.Gly739Asp; replaces glycine 739 with aspartic acid.
Molecular consequence: missense variant.
Genome position (GRCh38, 1-based): chr2:25,744,121, C>T on the plus strand (G>A on the coding strand, the complement: ASXL2 is on the minus strand). VCF-style: chr2-25744121-C-T. GRCh37 (hg19) VCF-style: chr2-25966990-C-T.
Other names: c.2042G>A, p.Gly681Asp (NM_001369346.1); c.1436G>A, p.Gly479Asp (NM_001369347.1); short protein forms G479D, G681D, G739D.
Identifiers: ClinVar variation 3911959 (VCV003911959.2).

ClinVar aggregate classification (germline): Uncertain significance (1 of 4 stars; one submission).

gnomAD v4.1: 5 of 1,613,850 alleles (0.00031%); highest among the groups gnomAD compares: Non-Finnish European, 0.00042%; no homozygotes.

Submission:

Women's Health and Genetics/Laboratory Corporation of America, LabCorp
Classification: Uncertain significance. Last evaluated: 2025-07-02. Review status: criteria provided, single submitter. Criteria: LabCorp Variant Classification Summary - May 2015. Collection method: clinical testing. Allele origin: germline.
Comment: Variant summary: ASXL2 c.2216G>A (p.Gly739Asp) results in a non-conservative amino acid change in the encoded protein sequence. Algorithms developed to predict the effect of missense changes on protein structure and function are either unavailable or do not agree on the potential impact of this missense change. The variant was absent in 249246 control chromosomes (gnomAD). The available data on variant occurrences in the general population are insufficient to allow any conclusion about variant significance. To our knowledge, no occurrence of c.2216G>A in individuals affected with Shashi-Pena Syndrome and no experimental evidence demonstrating its impact on protein function have been reported. No submitters have cited clinical-significance assessments for this variant to ClinVar. Based on the evidence outlined above, the variant was classified as uncertain significance.